The following is an entry in ClinVar:

ClinVar aggregate classification (germline): Uncertain significance (1 of 4 stars; one submission).

Conditions:
Baller-Gerold syndrome (BGS). Also called: CRANIOSYNOSTOSIS WITH RADIAL DEFECTS. Identifiers: Orphanet 1225, MedGen C0265308, MONDO:0009039, OMIM 218600.

Submission:

Labcorp Genetics (formerly Invitae), Labcorp
Classification: Uncertain significance for Baller-Gerold syndrome. Last evaluated: 2020-03-07. Review status: criteria provided, single submitter. Criteria: Invitae Variant Classification Sherloc (09022015). Collection method: clinical testing. Allele origin: germline.
Comment: Nucleotide substitutions within the consensus splice site are a relatively common cause of aberrant splicing (PMID: 17576681, 9536098). Algorithms developed to predict the effect of sequence changes on RNA splicing suggest that this variant may disrupt the consensus splice site, but this prediction has not been confirmed by published transcriptional studies. In summary, the available evidence is currently insufficient to determine the role of this variant in disease. Therefore, it has been classified as a Variant of Uncertain Significance. Algorithms developed to predict the effect of missense changes on protein structure and function do not agree on the potential impact of this missense change (SIFT: "Tolerated"; PolyPhen-2: "Possibly Damaging"; Align-GVGD: "Class C0"). This variant has not been reported in the literature in individuals with RECQL4-related disease. This variant is not present in population databases (ExAC no frequency). This sequence change replaces glutamic acid with aspartic acid at codon 71 of the RECQL4 protein (p.Glu71Asp). The glutamic acid residue is moderately conserved and there is a small physicochemical difference between glutamic acid and aspartic acid. This variant also falls at the last nucleotide of exon 3 of the RECQL4 coding sequence, which is part of the consensus splice site for this exon.

Literature cited by the submitters: PubMed 17576681; PubMed 9536098.

NM_004260.4(RECQL4):c.213G>C (p.Glu71Asp)

Gene: RECQL4 (RecQ like helicase 4; minus strand). Cytogenetic location: 8q24.3.
Variant type: single nucleotide variant.
Coding change: c.213G>C on transcript NM_004260.4 (MANE Select); coding-DNA position 213, G replaced by C.
Protein change: p.Glu71Asp; replaces glutamic acid 71 with aspartic acid.
Molecular consequence: missense variant.
Genome position (GRCh38, 1-based): chr8:144,517,414, C>G on the plus strand (G>C on the coding strand, the complement: RECQL4 is on the minus strand). VCF-style: chr8-144517414-C-G. GRCh37 (hg19) VCF-style: chr8-145742798-C-G.
Other names: short protein forms E71D.
Identifiers: ClinVar variation 575162 (VCV000575162.4), dbSNP rs1564811591, ClinGen allele CA372692462.